The following is an entry in ClinVar:

NM_001378452.1(ITPR1):c.3765C>T (p.Cys1255=)

Gene: ITPR1 (inositol 1,4,5-trisphosphate receptor type 1; plus strand). Cytogenetic location: 3p26.1.
Variant type: single nucleotide variant.
Coding change: c.3765C>T on transcript NM_001378452.1 (MANE Select); coding-DNA position 3765, C replaced by T.
Protein change: p.Cys1255=; no amino-acid change (cysteine 1255 retained).
Molecular consequence: synonymous variant.
Genome position (GRCh38, 1-based): chr3:4,688,557, C>T. VCF-style: chr3-4688557-C-T. GRCh37 (hg19) VCF-style: chr3-4730241-C-T.
Other names: c.3738C>T, p.Cys1246= (NM_001099952.4); c.3720C>T, p.Cys1240= (NM_001168272.2); c.3693C>T, p.Cys1231= (NM_002222.7).
Identifiers: ClinVar variation 789577 (VCV000789577.13), dbSNP rs140402012, ClinGen allele CA2231803.

ClinVar aggregate classification (germline): Benign/Likely benign. Review status: criteria provided, multiple submitters, no conflicts (2 of 4 stars). 3 submissions from 3 submitters: Benign (1); Likely benign (2). Last evaluated 2025-12-16.

Conditions:
Autosomal dominant cerebellar ataxia. Also called: Spinocerebellar Ataxia, Dominant. Identifiers: Orphanet 99, MedGen C4087347, MONDO:0020380.

Allele frequency attached by ClinVar (database versions not stated): gnomAD exomes 0.00006 and 0.00018; ExAC 0.00018; gnomAD 0.00069 and 0.00077; TOPMed 0.00073; ESP Exome Variant Server 0.00091; 1000 Genomes Project 0.00100; 1000 Genomes Project 30x 0.00125.
gnomAD v4.1: 201 of 1,613,932 alleles (0.012%); highest among the groups gnomAD compares: African/African-American, 0.22%; no homozygotes.

Submissions (3):

Labcorp Genetics (formerly Invitae), Labcorp
Classification: Likely benign. Last evaluated: 2025-12-16. Review status: criteria provided, single submitter. Criteria: Invitae Variant Classification Sherloc (09022015). Collection method: clinical testing. Allele origin: germline.

GeneDx
Classification: Likely benign. Last evaluated: 2020-07-29. Review status: criteria provided, single submitter. Criteria: GeneDx Variant Classification Process June 2021. Collection method: clinical testing. Allele origin: germline. Affected: yes.

Illumina Laboratory Services, Illumina
Classification: Benign for Spinocerebellar Ataxia, Dominant. Last evaluated: 2018-01-13. Review status: criteria provided, single submitter. Criteria: ICSL Variant Classification Criteria 13 December 2019. Collection method: clinical testing. Allele origin: germline.
Comment: This variant was observed in the ICSL laboratory as part of a predisposition screen in an ostensibly healthy population. It had not been previously curated by ICSL or reported in the Human Gene Mutation Database (HGMD: prior to June 1st, 2018), and was therefore a candidate for classification through an automated scoring system. Utilizing variant allele frequency, disease prevalence and penetrance estimates, and inheritance mode, an automated score was calculated to assess if this variant is too frequent to cause the disease. Based on the score and internal cut-off values, a variant classified as benign is not then subjected to further curation. The score for this variant resulted in a classification of benign for this disease.